The following is an entry in ClinVar:

ClinVar aggregate classification (germline): Pathogenic (1 of 4 stars; one submission).

Submission:

Labcorp Genetics (formerly Invitae), Labcorp
Classification: Pathogenic. Last evaluated: 2023-12-25. Review status: criteria provided, single submitter. Criteria: Invitae Variant Classification Sherloc (09022015). Collection method: clinical testing. Allele origin: germline.
Comment: This sequence change creates a premature translational stop signal (p.Ala1009Argfs*104) in the ZNF469 gene. While this is not anticipated to result in nonsense mediated decay, it is expected to disrupt the last 2917 amino acid(s) of the ZNF469 protein. This variant is not present in population databases (gnomAD no frequency). This variant has not been reported in the literature in individuals affected with ZNF469-related conditions. This variant disrupts a region of the ZNF469 protein in which other variant(s) (p.Pro3556Glnfs*136) have been determined to be pathogenic (PMID: 32671420). This suggests that this is a clinically significant region of the protein, and that variants that disrupt it are likely to be disease-causing. For these reasons, this variant has been classified as Pathogenic.

Literature cited by the submitters: PubMed 32671420.

NM_001367624.2(ZNF469):c.3006_3024dup (p.Ala1009fs)

Gene: ZNF469 (zinc finger protein 469; plus strand). Cytogenetic location: 16q24.2.
Variant type: Duplication.
Coding change: c.3006_3024dup on transcript NM_001367624.2 (MANE Select); coding-DNA positions 3006 to 3024, 19 bases duplicated (CGGGAGCCGCGCAGACCCC).
Protein change: p.Ala1009fs; shifts the reading frame from alanine 1009.
Molecular consequence: frameshift variant.
Genome position (GRCh38, 1-based): chr16:88,430,476-88,430,494, CGGGAGCCGCGCAGACCCC duplicated; duplicating any 19 consecutive bases within chr16:88,430,472-88,430,494 gives the same sequence; the c. name uses the placement nearest the transcript's 3' end. VCF-style (leftmost placement, unchanged base first): chr16-88430471-G-GCCCCCGGGAGCCGCGCAGA. GRCh37 (hg19) VCF-style: chr16-88496879-G-GCCCCCGGGAGCCGCGCAGA.
Other names: short protein forms A1009fs.
Identifiers: ClinVar variation 2705519 (VCV002705519.3), dbSNP rs2507581312, ClinGen allele CA2697555998.
Genomic context (GRCh38, chr16:88,430,471, plus strand): 5'-CGGAGGAACGACGGTCTCGGGGAGCGGCCCCCACCCCGTCCCCGGCGCCCTAGAACGCAG[G>GCCCCCGGGAGCCGCGCAGA]CCCCCGGGAGCCGCGCAGACCCCGCGCCCCGGGTCCCGAGAGCCGCCGCCCTCCCCGAGG-3'